The following is an entry in ClinVar:

NM_006118.4(HAX1):c.60_61delinsTC (p.Arg20_Asp21delinsSerHis)

Gene: HAX1 (HCLS1 associated protein X-1; plus strand). Cytogenetic location: 1q21.3.
Variant type: Indel.
Coding change: c.60_61delinsTC on transcript NM_006118.4 (MANE Select); coding-DNA positions 60 to 61, AG replaced by TC.
Protein change: p.Arg20_Asp21delinsSerHis.
Molecular consequence: missense variant. On other transcripts: intron variant (1).
Genome position (GRCh38, 1-based): chr1:154,273,342-154,273,343, AG replaced by TC. VCF-style: chr1-154273342-AG-TC. GRCh37 (hg19) VCF-style: chr1-154245818-AG-TC.
Other names: p.Arg20_Asp21delinsSerHis; c.54-138_54-137delinsTC (NM_001018837.2).
Identifiers: ClinVar variation 1693998 (VCV001693998.6), dbSNP rs2149139500, ClinGen allele CA2580061088.

ClinVar aggregate classification (germline): Uncertain significance. Review status: criteria provided, multiple submitters, no conflicts (2 of 4 stars). 2 submissions from 2 submitters: Uncertain significance (2). Last evaluated 2022-04-16.

Conditions:
Kostmann syndrome (SCN3). Also called: KOSTMANN DISEASE; Autosomal recessive severe congenital neutropenia type 3. Identifiers: Orphanet 99749, MedGen C5235141, MONDO:0012548, OMIM 610738.

Submissions (2):

Labcorp Genetics (formerly Invitae), Labcorp
Classification: Uncertain significance for Kostmann syndrome. Last evaluated: 2022-04-16. Review status: criteria provided, single submitter. Criteria: Invitae Variant Classification Sherloc (09022015). Collection method: clinical testing. Allele origin: germline.
Comment: This variant, c.60_61delinsTC, is a complex sequence change that results in the deletion of two and insertion of two amino acid(s) in the HAX1 protein (p.Arg20_Asp21delinsSerHis). Information on the frequency of this variant in the gnomAD database is not available, as this variant may be reported differently in the database. This variant has not been reported in the literature in individuals affected with HAX1-related conditions. Experimental studies and prediction algorithms are not available or were not evaluated, and the functional significance of this variant is currently unknown. In summary, the available evidence is currently insufficient to determine the role of this variant in disease. Therefore, it has been classified as a Variant of Uncertain Significance.

Mayo Clinic Laboratories, Mayo Clinic
Classification: Uncertain significance. Last evaluated: 2021-11-04. Review status: criteria provided, single submitter. Criteria: ACMG Guidelines, 2015. Collection method: clinical testing. Allele origin: germline.